The following is an entry in ClinVar:

NM_021254.4(CFAP298):c.688C>T (p.Arg230Ter)

Genes: CFAP298 (cilia and flagella associated protein 298; minus strand), CFAP298-TCP10L (CFAP298-TCP10L readthrough; minus strand). Cytogenetic location: 21q22.11.
Variant type: single nucleotide variant.
Coding change: c.688C>T on transcript NM_021254.4 (MANE Select); coding-DNA position 688, C replaced by T.
Protein change: p.Arg230Ter; replaces arginine 230 with a stop codon.
Molecular consequence: nonsense. On other transcripts: 3 prime UTR variant (1), intron variant (2).
Genome position (GRCh38, 1-based): chr21:32,602,346, G>A on the plus strand (C>T on the coding strand, the complement: CFAP298 is on the minus strand). VCF-style: chr21-32602346-G-A. GRCh37 (hg19) VCF-style: chr21-33974656-G-A.
Other names: c.391C>T, p.Arg131Ter (NM_001350334.2); c.*743C>T (NM_001350335.2); c.688C>T, p.Arg230Ter (NM_001350337.2); c.666+815C>T (NM_001350338.2); c.667-373C>T (NM_001350336.2); short protein forms R131*, R230*.
Identifiers: ClinVar variation 960519 (VCV000960519.7), dbSNP rs767192965, ClinGen allele CA10002751.

ClinVar aggregate classification (germline): Pathogenic (1 of 4 stars; one submission).

Allele frequency attached by ClinVar (database versions not stated): ExAC 0.00002; gnomAD exomes 0.00002; TOPMed 0.00002.

Submission:

Labcorp Genetics (formerly Invitae), Labcorp
Classification: Pathogenic. Last evaluated: 2025-12-15. Review status: criteria provided, single submitter. Criteria: Invitae Variant Classification Sherloc (09022015). Collection method: clinical testing. Allele origin: germline.
Comment: This sequence change creates a premature translational stop signal (p.Arg230*) in the CFAP298 gene. It is expected to result in an absent or disrupted protein product. Loss-of-function variants in CFAP298 are known to be pathogenic (PMID: 24094744). This variant is present in population databases (rs767192965, gnomAD 0.01%). This variant has not been reported in the literature in individuals affected with CFAP298-related conditions. ClinVar contains an entry for this variant (Variation ID: 960519). For these reasons, this variant has been classified as Pathogenic.

Literature cited by the submitters: PubMed 24094744.